The following is an entry in ClinVar:

ClinVar aggregate classification (germline): Uncertain significance (1 of 4 stars; one submission).

gnomAD v4.1: 1 of 1,613,368 alleles (0.000062%); no homozygotes.

Submission:

Labcorp Genetics (formerly Invitae), Labcorp
Classification: Uncertain significance. Last evaluated: 2025-06-25. Review status: criteria provided, single submitter. Criteria: Invitae Variant Classification Sherloc (09022015). Collection method: clinical testing. Allele origin: germline.
Comment: This sequence change replaces lysine, which is basic and polar, with asparagine, which is neutral and polar, at codon 287 of the TNNI3K protein (p.Lys287Asn). This variant is present in population databases (no rsID available, gnomAD 0.004%). This variant has not been reported in the literature in individuals affected with TNNI3K-related conditions. Invitae Evidence Modeling of protein sequence and biophysical properties (such as structural, functional, and spatial information, amino acid conservation, physicochemical variation, residue mobility, and thermodynamic stability) has been performed for this missense variant. However, the output from this modeling did not meet the statistical confidence thresholds required to predict the impact of this variant on TNNI3K protein function. In summary, the available evidence is currently insufficient to determine the role of this variant in disease. Therefore, it has been classified as a Variant of Uncertain Significance.

NM_015978.3(TNNI3K):c.861G>T (p.Lys287Asn)

Genes: FPGT-TNNI3K (FPGT-TNNI3K readthrough; plus strand), TNNI3K (TNNI3 interacting kinase; plus strand). Cytogenetic location: 1p31.1.
Variant type: single nucleotide variant.
Coding change: c.861G>T on transcript NM_015978.3 (MANE Select); coding-DNA position 861, G replaced by T.
Protein change: p.Lys287Asn; replaces lysine 287 with asparagine.
Molecular consequence: missense variant.
Genome position (GRCh38, 1-based): chr1:74,343,108, G>T. VCF-style: chr1-74343108-G-T. GRCh37 (hg19) VCF-style: chr1-74808792-G-T.
Other names: c.1164G>T, p.Lys388Asn (NM_001112808.3, NM_001199327.2); short protein forms K287N, K388N.
Identifiers: ClinVar variation 4693668 (VCV004693668.1).